The following is an entry in ClinVar:

ClinVar aggregate classification (germline): Likely benign. Review status: criteria provided, single submitter (1 of 4 stars). 2 submissions from 2 submitters: Likely benign (1). 1 of the submissions does not count toward it.

Allele frequency attached by ClinVar (database versions not stated): 1000 Genomes Project 0.00539; gnomAD exomes 0.01593 and 0.01978; ESP Exome Variant Server 0.01661; 1000 Genomes Project 30x 0.00593; TOPMed 0.01516; gnomAD 0.01629 and 0.01563; ExAC 0.01562.
gnomAD v4.1: 31,336 of 1,613,316 alleles (1.9%); highest among the groups gnomAD compares: Middle Eastern, 4.3%; 377 homozygotes.

Submissions (2):

Breakthrough Genomics
Classification: Likely benign. Review status: criteria provided, single submitter. Criteria: ACMG Guidelines, 2015. Collection method: not provided. Allele origin: germline. Inheritance: Autosomal dominant inheritance. Affected: yes.

Genetic Services Laboratory, University of Chicago
Classification: Likely benign for AllHighlyPenetrant. Review status: no assertion criteria provided. Collection method: clinical testing. Allele origin: germline. Inheritance: Autosomal dominant inheritance. Not counted in ClinVar's aggregate classification.
Comment: Likely benign based on allele frequency in 1000 Genomes Project or ESP global frequency and its presence in a patient with a rare or unrelated disease phenotype. NOT Sanger confirmed.

NM_012156.2(EPB41L1):c.2060C>T (p.Pro687Leu)

Gene: EPB41L1 (erythrocyte membrane protein band 4.1 like 1; plus strand). Cytogenetic location: 20q11.23.
Variant type: single nucleotide variant.
Coding change: c.2060C>T on transcript NM_012156.2 (MANE Select); coding-DNA position 2060, C replaced by T.
Protein change: p.Pro687Leu; replaces proline 687 with leucine.
Molecular consequence: missense variant. On other transcripts: intron variant (1).
Genome position (GRCh38, 1-based): chr20:36,209,879, C>T. VCF-style: chr20-36209879-C-T. GRCh37 (hg19) VCF-style: chr20-34797801-C-T.
Other names: c.2060C>T, p.Pro687Leu (NM_001258329.1); c.1838C>T, p.Pro613Leu (NM_001258331.2, NM_177996.2); c.1540-2393C>T (NM_001258330.1); short protein forms P613L, P687L.
Identifiers: ClinVar variation 128999 (VCV000128999.7), dbSNP rs73101499, ClinGen allele CA152740.